The following is an entry in ClinVar:

NM_213569.2(NEBL):c.357+63739C>T

Gene: NEBL (nebulette; minus strand). Cytogenetic location: 10p12.31.
Variant type: single nucleotide variant.
Coding change: c.357+63739C>T on transcript NM_213569.2; 63739 bases into the intron after coding-DNA position 357, C replaced by T.
Molecular consequence: intron variant.
Genome position (GRCh38, 1-based): chr10:20,897,933, G>A on the plus strand (C>T on the coding strand, the complement: NEBL is on the minus strand). VCF-style: chr10-20897933-G-A. GRCh37 (hg19) VCF-style: chr10-21186862-G-A.
Other names: c.249+63739C>T (NM_001377326.1, NM_001377327.1, NM_001377328.1); c.357+63739C>T (NM_001173484.2, NM_001377322.1); c.300+63739C>T (NM_001377324.1); c.291+63739C>T (NM_001377325.1); c.309+63739C>T (NM_001377323.1).
Identifiers: ClinVar variation 683669 (VCV000683669.3), dbSNP rs12251286, ClinGen allele CA204180644.

ClinVar aggregate classification (germline): Benign (1 of 4 stars; one submission).

Allele frequency attached by ClinVar (database versions not stated): 1000 Genomes Project 0.07648; TOPMed 0.07673; 1000 Genomes Project 30x 0.08057; gnomAD 0.06743 and 0.07209.
gnomAD v4.1: 10,154 of 152,130 alleles (6.7%); highest among the groups gnomAD compares: African/African-American, 23%; 1,063 homozygotes.

Submission:

GeneDx
Classification: Benign. Last evaluated: 2018-06-18. Review status: criteria provided, single submitter. Criteria: GeneDx Variant Classification (06012015). Collection method: clinical testing. Allele origin: germline. Affected: yes.
Comment: This variant is considered likely benign or benign based on one or more of the following criteria: it is a conservative change, it occurs at a poorly conserved position in the protein, it is predicted to be benign by multiple in silico algorithms, and/or has population frequency not consistent with disease.